The following is an entry in ClinVar:

ClinVar aggregate classification (germline): Pathogenic/Likely pathogenic. Review status: criteria provided, multiple submitters, no conflicts (2 of 4 stars). 3 submissions from 3 submitters: Pathogenic (2); Likely pathogenic (1). Last evaluated 2026-08-06.

Conditions:
Hypotonia, infantile, with psychomotor retardation and characteristic facies 2 (IHPRF2). Also called: UNC80 Deficiency. Identifiers: Orphanet 371364, Orphanet 700333, MedGen C4225203, MONDO:0014777, OMIM 616801.

Allele frequency attached by ClinVar (database versions not stated): gnomAD exomes below 0.00001.
gnomAD v4.1: 7 of 1,527,502 alleles (0.00046%); highest among the groups gnomAD compares: East Asian, 0.0025%; no homozygotes.

Submissions (3):

OLLIN Analises Genomicas, OLLIN
Classification: Likely pathogenic for Hypotonia, infantile, with psychomotor retardation and characteristic facies 2. Last evaluated: 2026-08-06. Review status: criteria provided, single submitter. Criteria: ACMG Guidelines 2015 PMID 25741868. Collection method: clinical testing. Allele origin: germline. Inheritance: Autosomal recessive inheritance.
Comment: This nonsense variant, located in exon 24 (of 65), has been reported in ClinVar (accession VCV000801863.6) and in gnomAD with an allele frequency of 0.00046%. However, to our knowledge, it has not been reported in the scientific literature. This variant introduces a premature stop codon, which is predicted to result in either a truncated protein or degradation of the mRNA via nonsense-mediated decay (NMD). According to the currently available evidence, this variant has been classified as likely pathogenic (PVS1, PM2_P).

Labcorp Genetics (formerly Invitae), Labcorp
Classification: Pathogenic. Last evaluated: 2024-03-25. Review status: criteria provided, single submitter. Criteria: Invitae Variant Classification Sherloc (09022015). Collection method: clinical testing. Allele origin: germline.
Comment: This sequence change creates a premature translational stop signal (p.Arg1287*) in the UNC80 gene. It is expected to result in an absent or disrupted protein product. Loss-of-function variants in UNC80 are known to be pathogenic (PMID: 26545877, 26708751, 26708753). This variant is not present in population databases (gnomAD no frequency). This variant has not been reported in the literature in individuals affected with UNC80-related conditions. ClinVar contains an entry for this variant (Variation ID: 801863). For these reasons, this variant has been classified as Pathogenic.

Mendelics
Classification: Pathogenic for Hypotonia, infantile, with psychomotor retardation and characteristic facies 2. Last evaluated: 2019-05-28. Review status: criteria provided, single submitter. Criteria: Mendelics Assertion Criteria 2017. Collection method: clinical testing. Allele origin: unknown.

Literature cited by the submitters: PubMed 26545877 (cited by Labcorp Genetics (formerly Invitae), Labcorp); PubMed 26708751 (cited by Labcorp Genetics (formerly Invitae), Labcorp); PubMed 26708753 (cited by Labcorp Genetics (formerly Invitae), Labcorp).

NM_001371986.1(UNC80):c.3853C>T (p.Arg1285Ter)

Gene: UNC80 (unc-80 subunit of NALCN channel complex; plus strand). Cytogenetic location: 2q34.
Variant type: single nucleotide variant.
Coding change: c.3853C>T on transcript NM_001371986.1 (MANE Select); coding-DNA position 3853, C replaced by T.
Protein change: p.Arg1285Ter; replaces arginine 1285 with a stop codon.
Molecular consequence: nonsense.
Genome position (GRCh38, 1-based): chr2:209,877,966, C>T. VCF-style: chr2-209877966-C-T. GRCh37 (hg19) VCF-style: chr2-210742690-C-T.
Other names: c.3859C>T, p.Arg1287Ter (NM_032504.2); c.3844C>T, p.Arg1282Ter (NM_182587.4); short protein forms R1282*, R1287*, R1285*.
Identifiers: ClinVar variation 801863 (VCV000801863.7), dbSNP rs1574855486, ClinGen allele CA350744771.
Genomic context (GRCh38, chr2:209,877,966, plus strand): 5'-GAGTTTGACTTAGTTTGTGCTGTTTCATTGTTTTCCTTCCCATTTTAGGCAATTGGCGTC[C>T]GATTGAATGAGCTGTGCCACGGGGAAAGTGAGAGCCCAGCCAACCTGCTGGGTCTCATTT-3'